The following is an entry in ClinVar:

NM_170707.4(LMNA):c.1059del (p.Gln353fs)

Gene: LMNA (lamin A/C; plus strand). Cytogenetic location: 1q22.
Variant type: Deletion.
Coding change: c.1059del on transcript NM_170707.4 (MANE Select); coding-DNA position 1059, one base deleted (G; older notation c.1059delG).
Protein change: p.Gln353fs; shifts the reading frame from glutamine 353.
Molecular consequence: frameshift variant.
Genome position (GRCh38, 1-based): chr1:156,136,023, G deleted. VCF-style (leftmost placement, unchanged base first): chr1-156136022-AG-A. GRCh37 (hg19) VCF-style: chr1-156105813-AG-A.
Other names: c.435del, p.Gln145fs (NM_001407001.1, NM_001406994.1, NM_001406999.1 and 1 more transcripts); c.501del, p.Gln167fs (NM_001407002.1, NM_001407003.1, NM_001406990.1 and 4 more transcripts); c.1059del, p.Gln353fs (NM_005572.4, NM_170708.4, NM_001282625.2 and 6 more transcripts); c.723del, p.Gln241fs (NM_001257374.3, NM_001406989.1, NM_001406998.1); c.816del, p.Gln272fs (NM_001282624.2, NM_001406986.1, NM_001406987.1); c.762del, p.Gln254fs (NM_001406988.1); short protein forms Q145fs, Q241fs, Q254fs, Q353fs, Q167fs, Q272fs.
Identifiers: ClinVar variation 4714485 (VCV004714485.1).

ClinVar aggregate classification (germline): Pathogenic (1 of 4 stars; one submission).

Conditions:
Charcot-Marie-Tooth disease type 2. Also called: Charcot-Marie-Tooth type 2. Identifiers: Orphanet 64746, MedGen C0270914, MONDO:0018993.

Submission:

Labcorp Genetics (formerly Invitae), Labcorp
Classification: Pathogenic for Charcot-Marie-Tooth disease type 2. Last evaluated: 2025-03-20. Review status: criteria provided, single submitter. Criteria: Invitae Variant Classification Sherloc (09022015). Collection method: clinical testing. Allele origin: germline.
Comment: This sequence change creates a premature translational stop signal (p.Gln353Hisfs*127) in the LMNA gene. It is expected to result in an absent or disrupted protein product. Loss-of-function variants in LMNA are known to be pathogenic (PMID: 18585512, 18926329). This variant is not present in population databases (gnomAD no frequency). This variant has not been reported in the literature in individuals affected with LMNA-related conditions. For these reasons, this variant has been classified as Pathogenic.

Literature cited by the submitters: PubMed 18585512; PubMed 18926329.